The following is an entry in ClinVar:

ClinVar aggregate classification (germline): Uncertain significance. Review status: criteria provided, multiple submitters, no conflicts (2 of 4 stars). 2 submissions from 2 submitters: Uncertain significance (2). Last evaluated 2025-08-02.

Allele frequency attached by ClinVar (database versions not stated): 1000 Genomes Project 30x 0.00031; 1000 Genomes Project 0.00040; ExAC 0.00048; gnomAD 0.00069; TOPMed 0.00095; gnomAD exomes 0.00096; ESP Exome Variant Server 0.00100.
gnomAD v4.1: 1,502 of 1,613,570 alleles (0.093%); highest among the groups gnomAD compares: Non-Finnish European, 0.11%; 1 homozygote.

Submissions (2):

GeneDx
Classification: Uncertain significance. Last evaluated: 2025-08-02. Review status: criteria provided, single submitter. Criteria: GeneDx Variant Classification Process June 2021. Collection method: clinical testing. Allele origin: germline. Affected: yes.
Comment: Reported in a patient with autism spectrum disorder in the published literature who also had variants in other genes that may have been responsible for the phenotype (PMID: 35982159); In silico analysis suggests that this missense variant does not alter protein structure/function; This variant is associated with the following publications: (PMID: 35982159)

Ambry Genetics
Classification: Uncertain significance. Last evaluated: 2021-07-08. Review status: criteria provided, single submitter. Criteria: Ambry Variant Classification Scheme 2023. Collection method: clinical testing. Allele origin: germline.

NM_015103.3(PLXND1):c.3310G>A (p.Val1104Ile)

Gene: PLXND1 (plexin D1; minus strand). Cytogenetic location: 3q22.1.
Variant type: single nucleotide variant.
Coding change: c.3310G>A on transcript NM_015103.3 (MANE Select); coding-DNA position 3310, G replaced by A.
Protein change: p.Val1104Ile; replaces valine 1104 with isoleucine.
Molecular consequence: missense variant.
Genome position (GRCh38, 1-based): chr3:129,571,535, C>T on the plus strand (G>A on the coding strand, the complement: PLXND1 is on the minus strand). VCF-style: chr3-129571535-C-T. GRCh37 (hg19) VCF-style: chr3-129290378-C-T.
Other names: short protein forms V1104I.
Identifiers: ClinVar variation 2318644 (VCV002318644.3), dbSNP rs141540298, ClinGen allele CA2608634.